The following is an entry in ClinVar:

ClinVar aggregate classification (germline): Benign/Likely benign. Review status: criteria provided, multiple submitters, no conflicts (2 of 4 stars). 4 submissions from 4 submitters: Benign (3); Likely benign (1). Last evaluated 2025-12-01.

Conditions:
Weaver syndrome (WVS). Also called: Weaver Smith syndrome; Overgrowth syndrome with accelerated skeletal maturation, unusual facies, and camptodactyly. Identifiers: Orphanet 3447, MedGen C0265210, MONDO:0010193, OMIM 277590.

Submissions (4):

Dasa
Classification: Benign. Last evaluated: 2025-12-01. Review status: criteria provided, single submitter. Criteria: DASA Assertion Criteria. Collection method: clinical testing. Allele origin: germline.
Comment: NM_004456.5(EZH2):c.118-5_118-4del is a splice-region variant. Population frequency is inconsistent with a disease-causing role for this variant. Computational prediction algorithms are consistent with a benign effect. Therefore, based on the currently available evidence, this variant is classified as benign.

Labcorp Genetics (formerly Invitae), Labcorp
Classification: Benign for Weaver syndrome. Last evaluated: 2025-04-11. Review status: criteria provided, single submitter. Criteria: Invitae Variant Classification Sherloc (09022015). Collection method: clinical testing. Allele origin: germline.

Blueprint Genetics
Classification: Likely benign. Last evaluated: 2024-11-18. Review status: criteria provided, single submitter. Criteria: ACMG Guidelines, 2015. Collection method: clinical testing. Allele origin: germline.

CeGaT Center for Human Genetics Tuebingen
Classification: Benign. Last evaluated: 2022-10-01. Review status: criteria provided, single submitter. Criteria: CeGaT Center For Human Genetics Tuebingen Variant Classification Criteria Version 2. Collection method: clinical testing. Allele origin: germline. Affected: yes. Observed: 3 variant alleles.
Comment: EZH2: BS1, BS2

NM_004456.5(EZH2):c.118-5_118-4del

Gene: EZH2 (enhancer of zeste 2 polycomb repressive complex 2 subunit; minus strand). Cytogenetic location: 7q36.1.
Variant type: Deletion.
Coding change: c.118-5_118-4del on transcript NM_004456.5 (MANE Select); 5 bases into the intron before coding-DNA position 118 through 4 bases into the intron before coding-DNA position 118, 2 bases deleted (TT; older notation c.118-5_118-4delTT).
Molecular consequence: intron variant.
Genome position (GRCh38, 1-based): chr7:148,846,602-148,846,603, AA deleted on the plus strand (TT on the coding strand, the reverse complement: EZH2 is on the minus strand); deleting any 2 consecutive bases within chr7:148,846,602-148,846,612 gives the same sequence; the c. name uses the placement nearest the transcript's 3' end. VCF-style (leftmost placement, unchanged base first): chr7-148846601-TAA-T. GRCh37 (hg19) VCF-style: chr7-148543693-TAA-T.
Other names: c.118-5_118-4delTT (NM_004456.4); c.118-5_118-4del (NM_001203248.2, NM_152998.3, NM_001203247.2 and 1 more transcripts).
Identifiers: ClinVar variation 359288 (VCV000359288.43), dbSNP rs3214332, ClinGen allele CA4548205.
Genomic context (GRCh38, chr7:148,846,601, plus strand): 5'-CTTGGTTTAAGATTTCCGTTCTTTCCAAAATTTTCTGACGATTGGAACTAAACATACTCT[TAA>T]AAAAAAAAATGAAGGAGAGGAAAGGAGAAATTGTTCATTGTTAGAAAATGTATAACACCT-3'